The following is an entry in ClinVar:

ClinVar aggregate classification (germline): Uncertain significance (1 of 4 stars; one submission).

Submission:

GeneDx
Classification: Uncertain significance. Last evaluated: 2022-06-24. Review status: criteria provided, single submitter. Criteria: GeneDx Variant Classification Process June 2021. Collection method: clinical testing. Allele origin: germline. Affected: yes.
Comment: Not observed at significant frequency in large population cohorts (gnomAD); Nonsense variant predicted to result in protein truncation or nonsense mediated decay in a gene for which loss-of-function is not a known mechanism of disease; Has not been previously published as pathogenic or benign to our knowledge

NM_001348768.2(HECW2):c.2106C>A (p.Cys702Ter)

Gene: HECW2 (HECT, C2 and WW domain containing E3 ubiquitin protein ligase 2; minus strand). Cytogenetic location: 2q32.3.
Variant type: single nucleotide variant.
Coding change: c.2106C>A on transcript NM_001348768.2 (MANE Select); coding-DNA position 2106, C replaced by A.
Protein change: p.Cys702Ter; replaces cysteine 702 with a stop codon.
Molecular consequence: nonsense.
Genome position (GRCh38, 1-based): chr2:196,318,784, G>T on the plus strand (C>A on the coding strand, the complement: HECW2 is on the minus strand). VCF-style: chr2-196318784-G-T. GRCh37 (hg19) VCF-style: chr2-197183508-G-T.
Other names: c.1038C>A, p.Cys346Ter (NM_001304840.3); c.2106C>A, p.Cys702Ter (NM_020760.4); short protein forms C346*, C702*.
Identifiers: ClinVar variation 1305009 (VCV001305009.3), dbSNP rs1691807279, ClinGen allele CA349964179.